The following is an entry in ClinVar:

ClinVar aggregate classification (germline): Uncertain significance (1 of 4 stars; one submission).

Submission:

Ambry Genetics
Classification: Uncertain significance. Last evaluated: 2023-07-09. Review status: criteria provided, single submitter. Criteria: Ambry Variant Classification Scheme 2023. Collection method: clinical testing. Allele origin: germline.
Comment: The p.F632L variant (also known as c.1896C>A), located in coding exon 17 of the RAD54L gene, results from a C to A substitution at nucleotide position 1896. The phenylalanine at codon 632 is replaced by leucine, an amino acid with highly similar properties. This amino acid position is conserved. In addition, this alteration is predicted to be tolerated by in silico analysis. Since supporting evidence is limited at this time, the clinical significance of this alteration remains unclear.

NM_003579.4(RAD54L):c.1896C>A (p.Phe632Leu)

Genes: LRRC41 (leucine rich repeat containing 41; minus strand), RAD54L (RAD54 like; plus strand). Cytogenetic location: 1p34.1.
Variant type: single nucleotide variant.
Coding change: c.1896C>A on transcript NM_003579.4 (MANE Select); coding-DNA position 1896, C replaced by A.
Protein change: p.Phe632Leu; replaces phenylalanine 632 with leucine.
Molecular consequence: missense variant. On other transcripts: 3 prime UTR variant (1).
Genome position (GRCh38, 1-based): chr1:46,277,843, C>A. VCF-style: chr1-46277843-C-A. GRCh37 (hg19) VCF-style: chr1-46743515-C-A.
Other names: c.*1022G>T (NM_006369.5); c.1896C>A, p.Phe632Leu (NM_001142548.2); c.1356C>A, p.Phe452Leu (NM_001370766.1); short protein forms F452L, F632L.
Identifiers: ClinVar variation 2595426 (VCV002595426.2), dbSNP rs2148307763, ClinGen allele CA340189051.